The following is an entry in ClinVar:

NM_000051.4(ATM):c.6406dup (p.Arg2136fs)

Genes: ATM (ATM serine/threonine kinase; plus strand), C11orf65 (chromosome 11 open reading frame 65; minus strand). Cytogenetic location: 11q22.3.
Variant type: Duplication.
Coding change: c.6406dup on transcript NM_000051.4 (MANE Select); coding-DNA position 6406, one base duplicated (A; older notation c.6406dupA).
Protein change: p.Arg2136fs; shifts the reading frame from arginine 2136.
Molecular consequence: frameshift variant. On other transcripts: intron variant (2).
Genome position (GRCh38, 1-based): chr11:108,320,012, A duplicated; the last of 2 consecutive A bases (chr11:108,320,011-108,320,012); duplicating either gives the same sequence. VCF-style (leftmost placement, unchanged base first): chr11-108320010-T-TA. GRCh37 (hg19) VCF-style: chr11-108190737-T-TA.
Other names: c.6406dup, p.Arg2136fs (NM_001351834.2); c.641-10940dup (NM_001330368.2); c.*39-10940dup (NM_001351110.2); short protein forms R2136fs.
Identifiers: ClinVar variation 1453067 (VCV001453067.7), dbSNP rs2136220927, ClinGen allele CA2573146732.

ClinVar aggregate classification (germline): Pathogenic (1 of 4 stars; one submission).

Conditions:
Ataxia-telangiectasia syndrome (AT). Also called: Ataxia-telangiectasia; LOUIS-BAR SYNDROME; Ataxia-telangiectasia, complementation group D; AT, COMPLEMENTATION GROUP C; ATAXIA-TELANGIECTASIA, COMPLEMENTATION GROUP A; ATAXIA-TELANGIECTASIA, FRESNO VARIANT. Identifiers: Orphanet 100, MedGen C0004135, MONDO:0008840, OMIM 208900.

Submission:

Labcorp Genetics (formerly Invitae), Labcorp
Classification: Pathogenic for Ataxia-telangiectasia syndrome. Last evaluated: 2021-10-12. Review status: criteria provided, single submitter. Criteria: Invitae Variant Classification Sherloc (09022015). Collection method: clinical testing. Allele origin: germline.
Comment: For these reasons, this variant has been classified as Pathogenic. This variant has not been reported in the literature in individuals with ATM-related conditions. This variant is not present in population databases (ExAC no frequency). This sequence change creates a premature translational stop signal (p.Arg2136Lysfs*10) in the ATM gene. It is expected to result in an absent or disrupted protein product. Loss-of-function variants in ATM are known to be pathogenic (PMID: 23807571, 25614872).

Literature cited by the submitters: PubMed 23807571; PubMed 25614872.